The following is an entry in ClinVar:

NM_001111.5(ADAR):c.1267C>G (p.Gln423Glu)

Gene: ADAR (adenosine deaminase RNA specific; minus strand). Cytogenetic location: 1q21.3.
Variant type: single nucleotide variant.
Coding change: c.1267C>G on transcript NM_001111.5 (MANE Select); coding-DNA position 1267, C replaced by G.
Protein change: p.Gln423Glu; replaces glutamine 423 with glutamic acid.
Molecular consequence: missense variant.
Genome position (GRCh38, 1-based): chr1:154,601,375, G>C on the plus strand (C>G on the coding strand, the complement: ADAR is on the minus strand). VCF-style: chr1-154601375-G-C. GRCh37 (hg19) VCF-style: chr1-154573851-G-C.
Other names: c.382C>G, p.Gln128Glu (NM_001025107.3, NM_001193495.2, NM_001365046.1 and 3 more transcripts); c.1294C>G, p.Gln432Glu (NM_001365045.1); c.1267C>G, p.Gln423Glu (NM_015840.4, NM_015841.4); short protein forms Q128E, Q432E, Q423E.
Identifiers: ClinVar variation 1406301 (VCV001406301.6), dbSNP rs1697861124, ClinGen allele CA342596986.

ClinVar aggregate classification (germline): Uncertain significance (1 of 4 stars; one submission).

Conditions:
Symmetrical dyschromatosis of extremities (DSH). Also called: RETICULATE ACROPIGMENTATION OF DOHI; SYMMETRIC DYSCHROMATOSIS OF THE EXTREMITIES; Dyschromatosis symmetrica hereditaria; DYSCHROMATOSIS SYMMETRICA HEREDITARIA 1. Identifiers: Orphanet 41, MedGen C0406775, MONDO:0007483, OMIM 127400.
Aicardi-Goutieres syndrome 6 (AGS6). Identifiers: Orphanet 51, MedGen C3539013, MONDO:0014007, OMIM 615010.

Allele frequency attached by ClinVar (database versions not stated): gnomAD exomes below 0.00001; TOPMed below 0.00001.
gnomAD v4.1: 1 of 1,614,204 alleles (0.000062%); highest among the groups gnomAD compares: Admixed American, 0.0017%; no homozygotes.

Submission:

Labcorp Genetics (formerly Invitae), Labcorp
Classification: Uncertain significance for Aicardi-Goutieres syndrome 6; Symmetrical dyschromatosis of extremities. Last evaluated: 2025-06-03. Review status: criteria provided, single submitter. Criteria: Invitae Variant Classification Sherloc (09022015). Collection method: clinical testing. Allele origin: germline.
Comment: This sequence change replaces glutamine, which is neutral and polar, with glutamic acid, which is acidic and polar, at codon 423 of the ADAR protein (p.Gln423Glu). This variant is not present in population databases (gnomAD no frequency). This variant has not been reported in the literature in individuals affected with ADAR-related conditions. ClinVar contains an entry for this variant (Variation ID: 1406301). Invitae Evidence Modeling of protein sequence and biophysical properties (such as structural, functional, and spatial information, amino acid conservation, physicochemical variation, residue mobility, and thermodynamic stability) indicates that this missense variant is not expected to disrupt ADAR protein function with a negative predictive value of 80%. In summary, the available evidence is currently insufficient to determine the role of this variant in disease. Therefore, it has been classified as a Variant of Uncertain Significance.